The following is an entry in ClinVar:

ClinVar aggregate classification (germline): Uncertain significance (1 of 4 stars; one submission).

gnomAD v4.1: 2 of 1,613,824 alleles (0.00012%); highest among the groups gnomAD compares: South Asian, 0.0011%; no homozygotes.

Submission:

Labcorp Genetics (formerly Invitae), Labcorp
Classification: Uncertain significance. Last evaluated: 2022-05-06. Review status: criteria provided, single submitter. Criteria: Invitae Variant Classification Sherloc (09022015). Collection method: clinical testing. Allele origin: germline.
Comment: This sequence change replaces arginine, which is basic and polar, with threonine, which is neutral and polar, at codon 2351 of the NBAS protein (p.Arg2351Thr). This variant is not present in population databases (gnomAD no frequency). This variant has not been reported in the literature in individuals affected with NBAS-related conditions. Algorithms developed to predict the effect of missense changes on protein structure and function (SIFT, PolyPhen-2, Align-GVGD) all suggest that this variant is likely to be disruptive. In summary, the available evidence is currently insufficient to determine the role of this variant in disease. Therefore, it has been classified as a Variant of Uncertain Significance.

NM_015909.4(NBAS):c.7052G>C (p.Arg2351Thr)

Gene: NBAS (NBAS subunit of NRZ tethering complex; minus strand). Cytogenetic location: 2p24.3.
Variant type: single nucleotide variant.
Coding change: c.7052G>C on transcript NM_015909.4 (MANE Select); coding-DNA position 7052, G replaced by C.
Protein change: p.Arg2351Thr; replaces arginine 2351 with threonine.
Molecular consequence: missense variant. On other transcripts: non-coding transcript variant (1).
Genome position (GRCh38, 1-based): chr2:15,167,112, C>G on the plus strand (G>C on the coding strand, the complement: NBAS is on the minus strand). VCF-style: chr2-15167112-C-G. GRCh37 (hg19) VCF-style: chr2-15307236-C-G.
Other names: short protein forms R2351T.
Identifiers: ClinVar variation 1966654 (VCV001966654.2), dbSNP rs2527904204, ClinGen allele CA345910790.
Genomic context (GRCh38, chr2:15,167,112, plus strand): 5'-ACCCAGTGCTGTGCTGCGCGGAGGGCTGTACTGAAGGTTCTGAAGGCCTGGTGAGTCCCC[C>G]TCACGGCCAGAAGGAGAGACCCGGCTTCGGCTTCATGGCCGGCCTCCCGCAGGTGTCTGC-3'
Protein context (NP_056993.2, residues 2341-2361): AEAGSLLLAV[Arg2351Thr]GTHQAFRTFS